The following is an entry in ClinVar:

ClinVar aggregate classification (germline): Uncertain significance (1 of 4 stars; one submission).

Conditions:
Autoimmune interstitial lung disease-arthritis syndrome. Also called: Autoinflammation and autoimmunity, systemic, with immune dysregulation. Identifiers: Orphanet 444092, MedGen C5975714, MONDO:0014629.

Submission:

Labcorp Genetics (formerly Invitae), Labcorp
Classification: Uncertain significance for Autoimmune interstitial lung disease-arthritis syndrome. Last evaluated: 2019-12-01. Review status: criteria provided, single submitter. Criteria: Invitae Variant Classification Sherloc (09022015). Collection method: clinical testing. Allele origin: germline.
Comment: In summary, the available evidence is currently insufficient to determine the role of this variant in disease. Therefore, it has been classified as a Variant of Uncertain Significance. Algorithms developed to predict the effect of missense changes on protein structure and function (SIFT, PolyPhen-2, Align-GVGD) all suggest that this variant is likely to be disruptive, but these predictions have not been confirmed by published functional studies and their clinical significance is uncertain. This variant has not been reported in the literature in individuals with COPA-related conditions. This variant is not present in population databases (ExAC no frequency). This sequence change replaces tyrosine with serine at codon 370 of the COPA protein (p.Tyr370Ser). The tyrosine residue is highly conserved and there is a large physicochemical difference between tyrosine and serine.

NM_004371.4(COPA):c.1109A>C (p.Tyr370Ser)

Gene: COPA (coat protein complex I subunit alpha; minus strand). Cytogenetic location: 1q23.2.
Variant type: single nucleotide variant.
Coding change: c.1109A>C on transcript NM_004371.4 (MANE Select); coding-DNA position 1109, A replaced by C.
Protein change: p.Tyr370Ser; replaces tyrosine 370 with serine.
Molecular consequence: missense variant.
Genome position (GRCh38, 1-based): chr1:160,310,226, T>G on the plus strand (A>C on the coding strand, the complement: COPA is on the minus strand). VCF-style: chr1-160310226-T-G. GRCh37 (hg19) VCF-style: chr1-160280016-T-G.
Other names: c.1109A>C, p.Tyr370Ser (NM_001098398.2); short protein forms Y370S.
Identifiers: ClinVar variation 858723 (VCV000858723.9), dbSNP rs1658920265, ClinGen allele CA343260030.